The following is an entry in ClinVar:

NM_170665.4(ATP2A2):c.1653G>A (p.Trp551Ter)

Gene: ATP2A2 (ATPase sarcoplasmic/endoplasmic reticulum Ca2+ transporting 2; plus strand). Cytogenetic location: 12q24.11.
Variant type: single nucleotide variant.
Coding change: c.1653G>A on transcript NM_170665.4 (MANE Select); coding-DNA position 1653, G replaced by A.
Protein change: p.Trp551Ter; replaces tryptophan 551 with a stop codon.
Molecular consequence: nonsense.
Genome position (GRCh38, 1-based): chr12:110,339,613, G>A. VCF-style: chr12-110339613-G-A. GRCh37 (hg19) VCF-style: chr12-110777418-G-A.
Other names: c.1548G>A, p.Trp516Ter (NM_001413013.1); c.1653G>A, p.Trp551Ter (NM_001413014.1, NM_001681.4); c.1278G>A, p.Trp426Ter (NM_001413015.1); short protein forms W516*, W426*, W551*.
Identifiers: ClinVar variation 2823827 (VCV002823827.3), dbSNP rs2548561345, ClinGen allele CA386673469.

ClinVar aggregate classification (germline): Pathogenic (1 of 4 stars; one submission).

Submission:

Labcorp Genetics (formerly Invitae), Labcorp
Classification: Pathogenic. Last evaluated: 2022-12-24. Review status: criteria provided, single submitter. Criteria: Invitae Variant Classification Sherloc (09022015). Collection method: clinical testing. Allele origin: germline.
Comment: This sequence change creates a premature translational stop signal (p.Trp551*) in the ATP2A2 gene. It is expected to result in an absent or disrupted protein product. Loss-of-function variants in ATP2A2 are known to be pathogenic (PMID: 10080178, 10441324). For these reasons, this variant has been classified as Pathogenic. This premature translational stop signal has been observed in individual(s) with Darier disease (PMID: 10441323). This variant is not present in population databases (gnomAD no frequency).

Literature cited by the submitters: PubMed 10080178; PubMed 10441324; PubMed 10441323.